The following is an entry in ClinVar:

ClinVar aggregate classification (germline): Uncertain significance (1 of 4 stars; one submission).

Conditions:
Kartagener syndrome (CILD1). Also called: SIEWERT SYNDROME; CILIARY DYSKINESIA, PRIMARY, 1; CILIARY DYSKINESIA, PRIMARY, 1, WITH OR WITHOUT SITUS INVERSUS; IMMOTILE CILIA SYNDROME; POLYNESIAN BRONCHIECTASIS; Dextrocardia bronchiectasis and sinusitis. Identifiers: Orphanet 244, MedGen C4551906, MONDO:0009484, OMIM 244400.

gnomAD v4.1: 3,932 of 1,613,394 alleles (0.24%); highest among the groups gnomAD compares: Middle Eastern, 0.79%; 4 homozygotes.

Submission:

Coskunpinar Laboratory, Saglik Bilimleri University, Hamidiye School of Medicine
Classification: Uncertain significance for Kartagener syndrome. Last evaluated: 2026-02-02. Review status: criteria provided, single submitter. Criteria: ACMG Guidelines, 2015. Collection method: research. Allele origin: germline. Affected: yes. Observed: 1 variant allele, 1 heterozygote.
Comment: Rare missense variant classified as uncertain significance by Qiagen Clinical Insight Interpret which implements ACMG/AMP variant interpretation guidelines. No definitive pathogenic or benign evidence currently available.

NM_001009984.3(DNAAF9):c.347A>G (p.Tyr116Cys)

Gene: DNAAF9 (dynein axonemal assembly factor 9; minus strand). Cytogenetic location: 20p13.
Variant type: single nucleotide variant.
Coding change: c.347A>G on transcript NM_001009984.3 (MANE Select); coding-DNA position 347, A replaced by G.
Protein change: p.Tyr116Cys; replaces tyrosine 116 with cysteine.
Molecular consequence: missense variant.
Genome position (GRCh38, 1-based): chr20:3,376,239, T>C on the plus strand (A>G on the coding strand, the complement: DNAAF9 is on the minus strand). VCF-style: chr20-3376239-T-C. GRCh37 (hg19) VCF-style: chr20-3356886-T-C.
Other names: p.Tyr116Cys; short protein forms Y116C.
Identifiers: ClinVar variation 4795795 (VCV004795795.1), dbSNP rs140971067.